The following is an entry in ClinVar:

NM_001329943.3(KIAA0586):c.2737C>A (p.Pro913Thr)

Gene: KIAA0586 (KIAA0586; plus strand). Cytogenetic location: 14q23.1.
Variant type: single nucleotide variant.
Coding change: c.2737C>A on transcript NM_001329943.3 (MANE Select); coding-DNA position 2737, C replaced by A.
Protein change: p.Pro913Thr; replaces proline 913 with threonine.
Molecular consequence: missense variant.
Genome position (GRCh38, 1-based): chr14:58,474,709, C>A. VCF-style: chr14-58474709-C-A. GRCh37 (hg19) VCF-style: chr14-58941427-C-A.
Other names: c.2896C>A, p.Pro966Thr (NM_001244189.2); c.2692C>A, p.Pro898Thr (NM_001244190.2); c.2482C>A, p.Pro828Thr (NM_001244191.2, NM_001329945.2, NM_001364700.1 and 1 more transcripts); c.2605C>A, p.Pro869Thr (NM_001244192.2); c.2317C>A, p.Pro773Thr (NM_001244193.2); c.2737C>A, p.Pro913Thr (NM_001329944.2, NM_001329946.2, NM_001329947.2); c.2509C>A, p.Pro837Thr (NM_014749.5); short protein forms P773T, P828T, P837T, P869T, P898T, P913T, P966T.
Identifiers: ClinVar variation 1337756 (VCV001337756.4), dbSNP rs2141024944, ClinGen allele CA389877926.
Genomic context (GRCh38, chr14:58,474,709, plus strand): 5'-CTGGAGTTTAACAGAAGTGTTAAAGCTGATTCTACAAAATATAATGGTCCTCCATTTCCG[C>A]CAGTTGCTTCTACTTTTCAGCCCACTGCTGATATTCTGGATAAAGTAATTGAGAGAAAAG-3'
Protein context (NP_001316872.1, residues 903-923): STKYNGPPFP[Pro913Thr]VASTFQPTAD

ClinVar aggregate classification (germline): Uncertain significance (1 of 4 stars; one submission).

Submission:

Genetic Services Laboratory, University of Chicago
Classification: Uncertain significance. Last evaluated: 2020-10-23. Review status: criteria provided, single submitter. Criteria: ACMG Guidelines, 2015. Collection method: clinical testing. Allele origin: germline. Affected: no.
Comment: DNA sequence analysis of the KIAA0586 gene demonstrated a sequence change, c.2896C>A, in exon 21 that results in an amino acid change, p.Pro966Thr. This sequence change does not appear to have been previously described in patients with KIAA0586-related disorders and has also not been described in population databases (gnomAD, ExAC). The p.Pro966Thr change affects a highly conserved amino acid residue located in a domain of the KIAA0586 protein that is not known to be functional. The p.Pro966Thr substitution appears to be deleterious using several in-silico pathogenicity prediction tools (SIFT, PolyPhen2, Align GVGD, REVEL). Due to these contrasting evidences and the lack of functional studies, the clinical significance of the p.Pro966Thr change remains unknown at this time.